The following is an entry in ClinVar:

ClinVar aggregate classification (germline): Uncertain significance. Review status: criteria provided, multiple submitters, no conflicts (2 of 4 stars). 3 submissions from 3 submitters: Uncertain significance (3). Last evaluated 2024-06-26.

Conditions:
Hereditary hyperferritinemia with congenital cataracts. Also called: Hereditary hyperferritinemia cataract syndrome; Bonneau-Beaumont syndrome; HYPERFERRITINEMIA WITH OR WITHOUT CATARACT. Identifiers: Orphanet 163, MedGen C1833213, MONDO:0010952, OMIM 600886.
Neuroferritinopathy (NBIA3). Also called: NEURODEGENERATION WITH BRAIN IRON ACCUMULATION 3; BASAL GANGLIA DISEASE, ADULT-ONSET. Identifiers: Orphanet 157846, MedGen C1853578, MONDO:0011638, OMIM 606159.

Allele frequency attached by ClinVar (database versions not stated): gnomAD exomes 0.00003 and 0.00004; ExAC 0.00004; TOPMed 0.00004; gnomAD 0.00005; ESP Exome Variant Server 0.00008.
gnomAD v4.1: 59 of 1,613,800 alleles (0.0037%); highest among the groups gnomAD compares: Admixed American, 0.005%; no homozygotes.

Submissions (3):

Labcorp Genetics (formerly Invitae), Labcorp
Classification: Uncertain significance for Neuroferritinopathy; Hereditary hyperferritinemia with congenital cataracts. Last evaluated: 2024-06-26. Review status: criteria provided, single submitter. Criteria: Invitae Variant Classification Sherloc (09022015). Collection method: clinical testing. Allele origin: germline.
Comment: This sequence change replaces glycine, which is neutral and non-polar, with serine, which is neutral and polar, at codon 146 of the FTL protein (p.Gly146Ser). This variant is present in population databases (rs111962558, gnomAD 0.008%). This variant has not been reported in the literature in individuals affected with FTL-related conditions. ClinVar contains an entry for this variant (Variation ID: 546849). An algorithm developed to predict the effect of missense changes on protein structure and function (PolyPhen-2) suggests that this variant is likely to be disruptive. In summary, the available evidence is currently insufficient to determine the role of this variant in disease. Therefore, it has been classified as a Variant of Uncertain Significance.

GeneDx
Classification: Uncertain significance. Last evaluated: 2024-05-01. Review status: criteria provided, single submitter. Criteria: GeneDx Variant Classification Process June 2021. Collection method: clinical testing. Allele origin: germline. Affected: yes.
Comment: In silico analysis supports that this missense variant has a deleterious effect on protein structure/function; Has not been previously published as pathogenic or benign to our knowledge

CeGaT Center for Human Genetics Tuebingen
Classification: Uncertain significance. Last evaluated: 2020-07-01. Review status: criteria provided, single submitter. Criteria: CeGaT Center For Human Genetics Tuebingen Variant Classification Criteria Version 2. Collection method: clinical testing. Allele origin: germline. Affected: yes. Observed: 2 variant alleles.

NM_000146.4(FTL):c.436G>A (p.Gly146Ser)

Gene: FTL (ferritin light chain; plus strand). Cytogenetic location: 19q13.33.
Variant type: single nucleotide variant.
Coding change: c.436G>A on transcript NM_000146.4 (MANE Select); coding-DNA position 436, G replaced by A.
Protein change: p.Gly146Ser; replaces glycine 146 with serine.
Molecular consequence: missense variant.
Genome position (GRCh38, 1-based): chr19:48,966,643, G>A. VCF-style: chr19-48966643-G-A. GRCh37 (hg19) VCF-style: chr19-49469900-G-A.
Other names: c.436G>A (NM_000146.3); short protein forms G146S.
Identifiers: ClinVar variation 546849 (VCV000546849.46), dbSNP rs111962558, ClinGen allele CA9562578.